The following is an entry in ClinVar:

NM_002941.4(ROBO1):c.3816G>C (p.Gln1272His)

Gene: ROBO1 (roundabout guidance receptor 1; minus strand). Cytogenetic location: 3p12.3.
Variant type: single nucleotide variant.
Coding change: c.3816G>C on transcript NM_002941.4 (MANE Select); coding-DNA position 3816, G replaced by C.
Protein change: p.Gln1272His; replaces glutamine 1272 with histidine.
Molecular consequence: missense variant.
Genome position (GRCh38, 1-based): chr3:78,627,380, C>G on the plus strand (G>C on the coding strand, the complement: ROBO1 is on the minus strand). VCF-style: chr3-78627380-C-G. GRCh37 (hg19) VCF-style: chr3-78676530-C-G.
Other names: c.3516G>C, p.Gln1172His (NM_001145845.2); c.3681G>C, p.Gln1227His (NM_133631.4); short protein forms Q1172H, Q1227H, Q1272H.
Identifiers: ClinVar variation 722579 (VCV000722579.11), dbSNP rs201342860, ClinGen allele CA2498271.

ClinVar aggregate classification (germline): Likely benign. Review status: criteria provided, multiple submitters, no conflicts (2 of 4 stars). 3 submissions from 3 submitters: Likely benign (2). 1 of the submissions does not count toward it. Last evaluated 2025-11-05.

Conditions:
ROBO1-related disorder. Also called: ROBO1-related condition.

Allele frequency attached by ClinVar (database versions not stated): gnomAD exomes 0.00025; ExAC 0.00026; 1000 Genomes Project 30x 0.00031; ESP Exome Variant Server 0.00093; gnomAD 0.00108; 1000 Genomes Project 0.00040; TOPMed 0.00098.
gnomAD v4.1: 295 of 1,612,534 alleles (0.018%); highest among the groups gnomAD compares: African/African-American, 0.37%; 1 homozygote.

Submissions (3):

Labcorp Genetics (formerly Invitae), Labcorp
Classification: Likely benign. Last evaluated: 2025-11-05. Review status: criteria provided, single submitter. Criteria: Invitae Variant Classification Sherloc (09022015). Collection method: clinical testing. Allele origin: germline.

Breakthrough Genomics
Classification: Likely benign. Review status: criteria provided, single submitter. Criteria: ACMG Guidelines, 2015. Collection method: not provided. Allele origin: germline. Inheritance: Unknown mechanism. Affected: yes.

PreventionGenetics, part of Exact Sciences
Classification: Likely benign for ROBO1-related condition. Last evaluated: 2024-09-25. Review status: no assertion criteria provided. Collection method: clinical testing. Allele origin: germline. Not counted in ClinVar's aggregate classification.
Comment: This variant is classified as likely benign based on ACMG/AMP sequence variant interpretation guidelines (Richards et al. 2015 PMID: 25741868, with internal and published modifications).